The following is an entry in ClinVar:

NM_016363.5(GP6):c.*721G>T

Gene: GP6 (glycoprotein VI platelet; minus strand). Cytogenetic location: 19q13.42.
Variant type: single nucleotide variant.
Coding change: c.*721G>T on transcript NM_016363.5 (MANE Select); 721 bases downstream of the stop codon, G replaced by T.
Molecular consequence: 3 prime UTR variant. On other transcripts: missense variant (1).
Genome position (GRCh38, 1-based): chr19:55,014,200, C>A on the plus strand (G>T on the coding strand, the complement: GP6 is on the minus strand). VCF-style: chr19-55014200-C-A. GRCh37 (hg19) VCF-style: chr19-55525568-C-A.
Other names: c.1745G>T, p.Ser582Ile (NM_001083899.2); c.*721G>T (NM_001256017.2); short protein forms S582I.
Identifiers: ClinVar variation 2765635 (VCV002765635.3), dbSNP rs372168591, ClinGen allele CA310121046.

ClinVar aggregate classification (germline): Uncertain significance. Review status: criteria provided, single submitter (1 of 4 stars). 2 submissions from 2 submitters: Uncertain significance (1). 1 of the submissions does not count toward it. Last evaluated 2023-08-31.

Conditions:
GP6-related disorder. Also called: GP6-related condition.

Allele frequency attached by ClinVar (database versions not stated): gnomAD exomes 0.00001; TOPMed 0.00001; ExAC 0.00011.
gnomAD v4.1: 14 of 738,216 alleles (0.0019%); highest among the groups gnomAD compares: East Asian, 0.01%; no homozygotes.

Submissions (2):

Labcorp Genetics (formerly Invitae), Labcorp
Classification: Uncertain significance. Last evaluated: 2023-08-31. Review status: criteria provided, single submitter. Criteria: Invitae Variant Classification Sherloc (09022015). Collection method: clinical testing. Allele origin: germline.
Comment: This sequence change replaces serine, which is neutral and polar, with isoleucine, which is neutral and non-polar, at codon 582 of the GP6 protein (p.Ser582Ile). This variant is present in population databases (rs372168591, gnomAD 0.03%). This variant has not been reported in the literature in individuals affected with GP6-related conditions. An algorithm developed to predict the effect of missense changes on protein structure and function (PolyPhen-2) suggests that this variant is likely to be disruptive. In summary, the available evidence is currently insufficient to determine the role of this variant in disease. Therefore, it has been classified as a Variant of Uncertain Significance.

PreventionGenetics, part of Exact Sciences
Classification: Uncertain significance for GP6-related condition. Last evaluated: 2024-07-11. Review status: no assertion criteria provided. Collection method: clinical testing. Allele origin: germline. Not counted in ClinVar's aggregate classification.
Comment: The GP6 c.1745G>T variant is predicted to result in the amino acid substitution p.Ser582Ile. To our knowledge, this variant has not been reported in the literature. This variant is reported in 0.016% of alleles in individuals of East Asian descent in gnomAD. At this time, the clinical significance of this variant is uncertain due to the absence of conclusive functional and genetic evidence.